The following is an entry in ClinVar:

NM_001277115.2(DNAH11):c.10225G>A (p.Gly3409Arg)

Gene: DNAH11 (dynein axonemal heavy chain 11; plus strand). Cytogenetic location: 7p15.3.
Variant type: single nucleotide variant.
Coding change: c.10225G>A on transcript NM_001277115.2 (MANE Select); coding-DNA position 10225, G replaced by A.
Protein change: p.Gly3409Arg; replaces glycine 3409 with arginine.
Molecular consequence: missense variant.
Genome position (GRCh38, 1-based): chr7:21,807,942, G>A. VCF-style: chr7-21807942-G-A. GRCh37 (hg19) VCF-style: chr7-21847560-G-A.
Other names: short protein forms G3409R.
Identifiers: ClinVar variation 3780994 (VCV003780994.2).

ClinVar aggregate classification (germline): Uncertain significance (1 of 4 stars; one submission).

gnomAD v4.1: 1 of 1,609,708 alleles (0.000062%); highest among the groups gnomAD compares: African/African-American, 0.0013%; no homozygotes.

Submission:

GeneDx
Classification: Uncertain significance. Last evaluated: 2025-10-11. Review status: criteria provided, single submitter. Criteria: GeneDx Variant Classification Process June 2021. Collection method: clinical testing. Allele origin: germline. Affected: yes.
Comment: Not observed at significant frequency in large population cohorts (gnomAD); In silico analysis supports that this missense variant has a deleterious effect on protein structure/function; Has not been previously published as pathogenic or benign to our knowledge